The following is an entry in ClinVar:

NM_002335.4(LRP5):c.2356A>T (p.Ile786Phe)

Gene: LRP5 (LDL receptor related protein 5; plus strand). Cytogenetic location: 11q13.2.
Variant type: single nucleotide variant.
Coding change: c.2356A>T on transcript NM_002335.4 (MANE Select); coding-DNA position 2356, A replaced by T.
Protein change: p.Ile786Phe; replaces isoleucine 786 with phenylalanine.
Molecular consequence: missense variant.
Genome position (GRCh38, 1-based): chr11:68,411,473, A>T. VCF-style: chr11-68411473-A-T. GRCh37 (hg19) VCF-style: chr11-68178941-A-T.
Other names: c.613A>T, p.Ile205Phe (NM_001291902.2); short protein forms I205F, I786F.
Identifiers: ClinVar variation 2078037 (VCV002078037.4), dbSNP rs1008940145, ClinGen allele CA224273569.

ClinVar aggregate classification (germline): Uncertain significance (1 of 4 stars; one submission).

Allele frequency attached by ClinVar (database versions not stated): TOPMed below 0.00001.

Submission:

Labcorp Genetics (formerly Invitae), Labcorp
Classification: Uncertain significance. Last evaluated: 2024-03-04. Review status: criteria provided, single submitter. Criteria: Invitae Variant Classification Sherloc (09022015). Collection method: clinical testing. Allele origin: germline.
Comment: This sequence change replaces isoleucine, which is neutral and non-polar, with phenylalanine, which is neutral and non-polar, at codon 786 of the LRP5 protein (p.Ile786Phe). This variant is not present in population databases (gnomAD no frequency). This variant has not been reported in the literature in individuals affected with LRP5-related conditions. ClinVar contains an entry for this variant (Variation ID: 2078037). Advanced modeling of protein sequence and biophysical properties (such as structural, functional, and spatial information, amino acid conservation, physicochemical variation, residue mobility, and thermodynamic stability) performed at Invitae indicates that this missense variant is expected to disrupt LRP5 protein function with a positive predictive value of 95%. In summary, the available evidence is currently insufficient to determine the role of this variant in disease. Therefore, it has been classified as a Variant of Uncertain Significance.